The following is an entry in ClinVar:

NM_000080.4(CHRNE):c.421C>G (p.Pro141Ala)

Genes: C17orf107 (chromosome 17 open reading frame 107; plus strand), CHRNE (cholinergic receptor nicotinic epsilon subunit; minus strand). Cytogenetic location: 17p13.2.
Variant type: single nucleotide variant.
Coding change: c.421C>G on transcript NM_000080.4 (MANE Select); coding-DNA position 421, C replaced by G.
Protein change: p.Pro141Ala; replaces proline 141 with alanine.
Molecular consequence: missense variant. On other transcripts: 3 prime UTR variant (1).
Genome position (GRCh38, 1-based): chr17:4,902,011, G>C on the plus strand (C>G on the coding strand, the complement: CHRNE is on the minus strand). VCF-style: chr17-4902011-G-C. GRCh37 (hg19) VCF-style: chr17-4805306-G-C.
Other names: c.*1478G>C (NM_001145536.2); short protein forms P141A.
Identifiers: ClinVar variation 1479414 (VCV001479414.9), dbSNP rs483353045, ClinGen allele CA397306232.

ClinVar aggregate classification (germline): Conflicting classifications of pathogenicity. Review status: criteria provided, conflicting classifications (1 of 4 stars). 2 submissions from 2 submitters: Likely pathogenic (1); Uncertain significance (1). Last evaluated 2025-09-17.

Conditions:
Congenital myasthenic syndrome 4A. Also called: Myasthenic syndrome, congenital, 4a, slow-channel; MYASTHENIC SYNDROME, CONGENITAL, 4A, SLOW-CHANNEL, AUTOSOMAL RECESSIVE; CONGENITAL MYASTHENIC SYNDROME TYPE Ia1. Identifiers: Orphanet 590, MedGen C4225413, MONDO:0011600, OMIM 605809.

Submissions (2):

Women's Health and Genetics/Laboratory Corporation of America, LabCorp
Classification: Uncertain significance. Last evaluated: 2025-09-17. Review status: criteria provided, single submitter. Criteria: LabCorp Variant Classification Summary - May 2015. Collection method: clinical testing. Allele origin: germline.
Comment: Variant summary: CHRNE c.421C>G (p.Pro141Ala) results in a non-conservative amino acid change in the encoded protein sequence. Algorithms developed to predict the effect of missense changes on protein structure and function all suggest that this variant is likely to be disruptive. The variant was absent in 250774 control chromosomes. To our knowledge, no occurrence of c.421C>G in individuals affected with CHRNE-related conditions and no experimental evidence demonstrating its impact on protein function have been reported. Other variants (p.Pro141Thr, p.Pro141Leu) affecting this codon have been determined to be likely pathogenic/pathogenic. ClinVar contains an entry for this variant (Variation ID: 1479414). Based on the evidence outlined above, the variant was classified as VUS-possibly pathogenic.

Labcorp Genetics (formerly Invitae), Labcorp
Classification: Likely pathogenic for Congenital myasthenic syndrome 4A. Last evaluated: 2021-02-13. Review status: criteria provided, single submitter. Criteria: Invitae Variant Classification Sherloc (09022015). Collection method: clinical testing. Allele origin: germline.
Comment: This variant disrupts the p.Pro141 amino acid residue in CHRNE. Other variant(s) that disrupt this residue have been determined to be pathogenic (PMID: 8755487, 17878953, Invitae). This suggests that this residue is clinically significant, and that variants that disrupt this residue are likely to be disease-causing. Advanced modeling of protein sequence and biophysical properties (such as structural, functional, and spatial information, amino acid conservation, physicochemical variation, residue mobility, and thermodynamic stability) performed at Invitae indicates that this missense variant is expected to disrupt CHRNE protein function. This variant has not been reported in the literature in individuals with CHRNE-related conditions. This variant is not present in population databases (ExAC no frequency). This sequence change replaces proline with alanine at codon 141 of the CHRNE protein (p.Pro141Ala). The proline residue is highly conserved and there is a small physicochemical difference between proline and alanine. In summary, the currently available evidence indicates that the variant is pathogenic, but additional data are needed to prove that conclusively. Therefore, this variant has been classified as Likely Pathogenic.

Literature cited by the submitters: PubMed 8755487 (cited by Labcorp Genetics (formerly Invitae), Labcorp); PubMed 17878953 (cited by Labcorp Genetics (formerly Invitae), Labcorp).